The following is an entry in ClinVar:

NM_000180.4(GUCY2D):c.1991A>C (p.His664Pro)

Gene: GUCY2D (guanylate cyclase 2D, retinal; plus strand). Cytogenetic location: 17p13.1.
Variant type: single nucleotide variant.
Coding change: c.1991A>C on transcript NM_000180.4 (MANE Select); coding-DNA position 1991, A replaced by C.
Protein change: p.His664Pro; replaces histidine 664 with proline.
Molecular consequence: missense variant.
Genome position (GRCh38, 1-based): chr17:8,012,484, A>C. VCF-style: chr17-8012484-A-C. GRCh37 (hg19) VCF-style: chr17-7915802-A-C.
Other names: short protein forms H664P.
Identifiers: ClinVar variation 982529 (VCV000982529.3), dbSNP rs1238251797.
Genomic context (GRCh38, chr17:8,012,484, plus strand): 5'-CTGCCTCTTACCCTACCCATTCCAAGGGAATAAGGTATCTGCACCATCGAGGCGTGGCTC[A>C]TGGGCGGCTGAAGTCACGGAACTGCATAGTGGATGGCAGATTCGTACTCAAGATCACTGA-3'
Protein context (NP_000171.1, residues 654-674): IRYLHHRGVA[His664Pro]GRLKSRNCIV

ClinVar aggregate classification (germline): Likely pathogenic. Review status: criteria provided, multiple submitters, no conflicts (2 of 4 stars). 2 submissions from 2 submitters: Likely pathogenic (2). Last evaluated 2024-10-01.

Conditions:
Leber congenital amaurosis 1 (LCA1). Also called: Congenital absence of the rods and cones; Leber's congenital tapetoretinal degeneration; Leber's congenital tapetoretinal dysplasia; AMAUROSIS CONGENITA OF LEBER I; RETINAL BLINDNESS, CONGENITAL. Identifiers: Orphanet 65, MedGen C2931258, MONDO:0008764, OMIM 204000.
Leber congenital amaurosis (LCA). Also called: Leber's amaurosis. Identifiers: Orphanet 65, MedGen C0339527, MeSH D057130, MONDO:0018998.

Allele frequency attached by ClinVar (database versions not stated): gnomAD exomes below 0.00001.

Submissions (2):

Lab De Baere, Eye and Developmental Genetics Lab, Ghent University
Classification: Likely pathogenic for Leber congenital amaurosis. Last evaluated: 2024-10-01. Review status: criteria provided, single submitter. Criteria: ACMG Guidelines, 2015. Collection method: research. Allele origin: inherited. Affected: yes. Observed: 1 variant allele.
Comment: ACMG/AMP guidelines: PM2, PP4_PP, PP3, PM5, PM3_PP

Kariminejad - Najmabadi Pathology & Genetics Center
Classification: Likely pathogenic for Leber congenital amaurosis 1. Review status: criteria provided, single submitter. Criteria: ACMG Guidelines, 2015. Collection method: clinical testing. Allele origin: germline. Affected: no.